The following is an entry in ClinVar:

ClinVar aggregate classification (germline): Uncertain significance (1 of 4 stars; one submission).

Conditions:
LAMA2-related muscular dystrophy (LAMA2-RD). Also called: Laminin alpha 2-related dystrophy. Identifiers: MedGen C5679788, MONDO:0100228.

gnomAD v4.1: 2 of 1,614,054 alleles (0.00012%); highest among the groups gnomAD compares: Middle Eastern, 0.016%; no homozygotes.

Submission:

Labcorp Genetics (formerly Invitae), Labcorp
Classification: Uncertain significance for LAMA2-related muscular dystrophy. Last evaluated: 2022-05-13. Review status: criteria provided, single submitter. Criteria: Invitae Variant Classification Sherloc (09022015). Collection method: clinical testing. Allele origin: germline.
Comment: This sequence change replaces arginine, which is basic and polar, with serine, which is neutral and polar, at codon 156 of the LAMA2 protein (p.Arg156Ser). This variant is present in population databases (no rsID available, gnomAD 0.0009%). This variant has not been reported in the literature in individuals affected with LAMA2-related conditions. Advanced modeling of protein sequence and biophysical properties (such as structural, functional, and spatial information, amino acid conservation, physicochemical variation, residue mobility, and thermodynamic stability) performed at Invitae indicates that this missense variant is not expected to disrupt LAMA2 protein function. In summary, the available evidence is currently insufficient to determine the role of this variant in disease. Therefore, it has been classified as a Variant of Uncertain Significance.

NM_000426.4(LAMA2):c.466C>A (p.Arg156Ser)

Gene: LAMA2 (laminin subunit alpha 2; plus strand). Cytogenetic location: 6q22.33.
Variant type: single nucleotide variant.
Coding change: c.466C>A on transcript NM_000426.4 (MANE Select); coding-DNA position 466, C replaced by A.
Protein change: p.Arg156Ser; replaces arginine 156 with serine.
Molecular consequence: missense variant.
Genome position (GRCh38, 1-based): chr6:129,098,242, C>A. VCF-style: chr6-129098242-C-A. GRCh37 (hg19) VCF-style: chr6-129419387-C-A.
Other names: c.466C>A, p.Arg156Ser (NM_001079823.2); short protein forms R156S.
Identifiers: ClinVar variation 2195248 (VCV002195248.1), dbSNP rs890766655, ClinGen allele CA365829184.
Genomic context (GRCh38, chr6:129,098,242, plus strand): 5'-ATCGCGTATGTGATTGTGAAGGCAGCTAACTCCCCCCGGCCTGGAAACTGGATTTTGGAA[C>A]GCTCTCTTGATGATGTTGAATACAAGCCCTGGCAGTATCATGCTGTGACAGACACGGAGT-3'
Protein context (NP_000417.3, residues 146-166): SPRPGNWILE[Arg156Ser]SLDDVEYKPW